The following is an entry in ClinVar:

NM_001042603.3(KDM5A):c.3083C>G (p.Ala1028Gly)

Gene: KDM5A (lysine demethylase 5A; minus strand). Cytogenetic location: 12p13.33.
Variant type: single nucleotide variant.
Coding change: c.3083C>G on transcript NM_001042603.3 (MANE Select); coding-DNA position 3083, C replaced by G.
Protein change: p.Ala1028Gly; replaces alanine 1028 with glycine.
Molecular consequence: missense variant.
Genome position (GRCh38, 1-based): chr12:311,018, G>C on the plus strand (C>G on the coding strand, the complement: KDM5A is on the minus strand). VCF-style: chr12-311018-G-C. GRCh37 (hg19) VCF-style: chr12-420184-G-C.
Other names: short protein forms A1028G.
Identifiers: ClinVar variation 4529932 (VCV004529932.1).

ClinVar aggregate classification (germline): Uncertain significance (1 of 4 stars; one submission).

Submission:

GeneDx
Classification: Uncertain significance. Last evaluated: 2025-05-14. Review status: criteria provided, single submitter. Criteria: GeneDx Variant Classification Process June 2021. Collection method: clinical testing. Allele origin: germline. Affected: yes.
Comment: Not observed at significant frequency in large population cohorts (gnomAD); In silico analysis supports that this missense variant has a deleterious effect on protein structure/function; Has not been previously published as pathogenic or benign to our knowledge